The following is an entry in ClinVar:

ClinVar aggregate classification (germline): Uncertain significance (1 of 4 stars; one submission).

Conditions:
PKHD1-related disorder. Also called: PKHD1-related condition.

gnomAD v4.1: 4 of 1,613,616 alleles (0.00025%); highest among the groups gnomAD compares: Non-Finnish European, 0.00034%; no homozygotes.

Submission:

PreventionGenetics, part of Exact Sciences
Classification: Uncertain significance for PKHD1-related condition. Last evaluated: 2025-03-25. Review status: criteria provided, single submitter. Criteria: ACMG Guidelines, 2015. Collection method: clinical testing. Allele origin: germline.
Comment: The PKHD1 c.2768T>G variant is predicted to result in the amino acid substitution p.Phe923Cys. To our knowledge, this variant has not been reported in the literature or in a large population database (gnomAD), indicating this variant is rare. At this time, the clinical significance of this variant is uncertain due to the absence of conclusive functional and genetic evidence.

NM_138694.4(PKHD1):c.2768T>G (p.Phe923Cys)

Gene: PKHD1 (PKHD1 ciliary IPT domain containing fibrocystin/polyductin; minus strand). Cytogenetic location: 6p12.2.
Variant type: single nucleotide variant.
Coding change: c.2768T>G on transcript NM_138694.4 (MANE Select); coding-DNA position 2768, T replaced by G.
Protein change: p.Phe923Cys; replaces phenylalanine 923 with cysteine.
Molecular consequence: missense variant.
Genome position (GRCh38, 1-based): chr6:52,043,678, A>C on the plus strand (T>G on the coding strand, the complement: PKHD1 is on the minus strand). VCF-style: chr6-52043678-A-C. GRCh37 (hg19) VCF-style: chr6-51908476-A-C.
Other names: c.2768T>G, p.Phe923Cys (NM_170724.3); short protein forms F923C.
Identifiers: ClinVar variation 5001238 (VCV005001238.1).